The following is an entry in ClinVar:

ClinVar aggregate classification (germline): Conflicting classifications of pathogenicity. Review status: criteria provided, conflicting classifications (1 of 4 stars). 2 submissions from 2 submitters: Uncertain significance (1); Likely benign (1). Last evaluated 2025-10-21.

Allele frequency attached by ClinVar (database versions not stated): ESP Exome Variant Server 0.00008; 1000 Genomes Project 30x 0.00016; ExAC 0.00016; 1000 Genomes Project 0.00020; gnomAD 0.00020.
gnomAD v4.1: 297 of 1,490,520 alleles (0.02%); highest among the groups gnomAD compares: Non-Finnish European, 0.023%; no homozygotes.

Submissions (2):

Labcorp Genetics (formerly Invitae), Labcorp
Classification: Uncertain significance. Last evaluated: 2025-10-21. Review status: criteria provided, single submitter. Criteria: Invitae Variant Classification Sherloc (09022015). Collection method: clinical testing. Allele origin: germline.
Comment: This sequence change replaces lysine, which is basic and polar, with asparagine, which is neutral and polar, at codon 94 of the GNRH1 protein (p.Lys94Asn). This variant is present in population databases (rs372089839, gnomAD 0.1%). This variant has not been reported in the literature in individuals affected with GNRH1-related conditions. ClinVar contains an entry for this variant (Variation ID: 1373135). Experimental studies and prediction algorithms are not available or were not evaluated, and the functional significance of this variant is currently unknown. Algorithms developed to predict the effect of sequence changes on RNA splicing suggest that this variant may disrupt the consensus splice site. In summary, the available evidence is currently insufficient to determine the role of this variant in disease. Therefore, it has been classified as a Variant of Uncertain Significance.

CeGaT Center for Human Genetics Tuebingen
Classification: Likely benign. Last evaluated: 2022-07-01. Review status: criteria provided, single submitter. Criteria: CeGaT Center For Human Genetics Tuebingen Variant Classification Criteria Version 2. Collection method: clinical testing. Allele origin: germline. Affected: yes. Observed: 1 variant allele.
Comment: GNRH1: BP4

NM_001083111.2(GNRH1):c.270G>T (p.Lys90Asn)

Gene: GNRH1 (gonadotropin releasing hormone 1; minus strand). Cytogenetic location: 8p21.2.
Variant type: single nucleotide variant.
Coding change: c.270G>T on transcript NM_001083111.2 (MANE Select); coding-DNA position 270, G replaced by T.
Protein change: p.Lys90Asn; replaces lysine 90 with asparagine.
Molecular consequence: missense variant.
Genome position (GRCh38, 1-based): chr8:25,419,428, C>A on the plus strand (G>T on the coding strand, the complement: GNRH1 is on the minus strand). VCF-style: chr8-25419428-C-A. GRCh37 (hg19) VCF-style: chr8-25276944-C-A.
Other names: c.282G>T, p.Lys94Asn (NM_000825.3); short protein forms K94N, K90N.
Identifiers: ClinVar variation 1373135 (VCV001373135.37), dbSNP rs372089839, ClinGen allele CA4683599.
Genomic context (GRCh38, chr8:25,419,428, plus strand): 5'-AATTATACTTAAGTCATGTTAGTAATGGTCATTCCTTCTGGCCCAATGGATTTAAATCTT[C>A]TTCTGCCCAGTTTCCTCTTCAATCAGACTTTCCTGAAAAATATATAACAAATATATCAAG-3'
Protein context (NP_001076580.1, residues 80-92): ESLIEEETGQ[Lys90Asn]KI